The following is an entry in ClinVar:

ClinVar aggregate classification (germline): Uncertain significance (1 of 4 stars; one submission).

Conditions:
Lethal congenital glycogen storage disease of heart. Also called: GLYCOGEN STORAGE DISEASE OF HEART; PHOSPHORYLASE KINASE DEFICIENCY OF HEART. Identifiers: Orphanet 439854, MedGen C1849813, MONDO:0009867, OMIM 261740.

Submission:

Labcorp Genetics (formerly Invitae), Labcorp
Classification: Uncertain significance for Lethal congenital glycogen storage disease of heart. Last evaluated: 2021-07-20. Review status: criteria provided, single submitter. Criteria: Invitae Variant Classification Sherloc (09022015). Collection method: clinical testing. Allele origin: germline.
Comment: This variant is not present in population databases (ExAC no frequency). This variant has not been reported in the literature in individuals affected with PRKAG2-related conditions. Algorithms developed to predict the effect of missense changes on protein structure and function (SIFT, PolyPhen-2, Align-GVGD) all suggest that this variant is likely to be tolerated. In summary, the available evidence is currently insufficient to determine the role of this variant in disease. Therefore, it has been classified as a Variant of Uncertain Significance. This sequence change replaces tyrosine with asparagine at codon 339 of the PRKAG2 protein (p.Tyr339Asn). The tyrosine residue is moderately conserved and there is a large physicochemical difference between tyrosine and asparagine.

NM_016203.4(PRKAG2):c.1015T>A (p.Tyr339Asn)

Gene: PRKAG2 (protein kinase AMP-activated non-catalytic subunit gamma 2; minus strand). Cytogenetic location: 7q36.1.
Variant type: single nucleotide variant.
Coding change: c.1015T>A on transcript NM_016203.4 (MANE Select); coding-DNA position 1015, T replaced by A.
Protein change: p.Tyr339Asn; replaces tyrosine 339 with asparagine.
Molecular consequence: missense variant.
Genome position (GRCh38, 1-based): chr7:151,572,700, A>T on the plus strand (T>A on the coding strand, the complement: PRKAG2 is on the minus strand). VCF-style: chr7-151572700-A-T. GRCh37 (hg19) VCF-style: chr7-151269786-A-T.
Other names: c.883T>A, p.Tyr295Asn (NM_001040633.2); c.640T>A, p.Tyr214Asn (NM_001304527.2); c.292T>A, p.Tyr98Asn (NM_001304531.2, NM_024429.2); c.643T>A, p.Tyr215Asn (NM_001363698.2); short protein forms Y215N, Y295N, Y339N, Y98N, Y214N.
Identifiers: ClinVar variation 1439178 (VCV001439178.8), dbSNP rs1807867041, ClinGen allele CA370072183.
Genomic context (GRCh38, chr7:151,572,700, plus strand): 5'-TTTTAAACATCCAATAGTGCTTACCCCTCCATGTTTCAATTTTATGTTCCTCTAATTCAT[A>T]AATCTGTACCTGCAAATAAAAAAATTCTTATTTATAAATATACATATACAACATAGAAAA-3'
Protein context (NP_057287.2, residues 329-349): RYYKSPMVQI[Tyr339Asn]ELEEHKIETW